The following is an entry in ClinVar:

ClinVar aggregate classification (germline): Uncertain significance. Review status: criteria provided, multiple submitters, no conflicts (2 of 4 stars). 2 submissions from 2 submitters: Uncertain significance (2). Last evaluated 2024-11-26.

Conditions:
Cardiomyopathy (CMYO). Also called: Cardiomyopathies. Identifiers: Orphanet 167848, MedGen C0878544, MONDO:0004994, HP:0001638. Inheritance: Various modes of inheritance.
Cardiovascular phenotype. Identifiers: MedGen CN230736.

Allele frequency attached by ClinVar (database versions not stated): gnomAD exomes 0.00001.

Submissions (2):

Ambry Genetics
Classification: Uncertain significance for Cardiovascular phenotype. Last evaluated: 2024-11-26. Review status: criteria provided, single submitter. Criteria: Ambry Variant Classification Scheme 2023. Collection method: clinical testing. Allele origin: germline.
Comment: The p.E1886G variant (also known as c.5657A>G), located in coding exon 24 of the DSP gene, results from an A to G substitution at nucleotide position 5657. The glutamic acid at codon 1886 is replaced by glycine, an amino acid with similar properties. This amino acid position is conserved. In addition, this alteration is predicted to be tolerated by in silico analysis. Since supporting evidence is limited at this time, the clinical significance of this alteration remains unclear.

Color Diagnostics, LLC DBA Color Health
Classification: Uncertain significance for Cardiomyopathy. Last evaluated: 2024-03-06. Review status: criteria provided, single submitter. Criteria: ACMG Guidelines, 2015. Collection method: clinical testing. Allele origin: germline.
Comment: This missense variant replaces glutamic acid with glycine at codon 1886 of the DSP protein. Computational prediction suggests that this variant may not impact protein structure and function (internally defined REVEL score threshold <= 0.5, PMID: 27666373). To our knowledge, functional studies have not been reported for this variant. This variant has not been reported in individuals affected with DSP-related disorders in the literature. This variant has not been identified in the general population by the Genome Aggregation Database (gnomAD). The available evidence is insufficient to determine the role of this variant in disease conclusively. Therefore, this variant is classified as a Variant of Uncertain Significance.

NM_004415.4(DSP):c.5657A>G (p.Glu1886Gly)

Gene: DSP (desmoplakin; plus strand). Cytogenetic location: 6p24.3.
Variant type: single nucleotide variant.
Coding change: c.5657A>G on transcript NM_004415.4 (MANE Select); coding-DNA position 5657, A replaced by G.
Protein change: p.Glu1886Gly; replaces glutamic acid 1886 with glycine.
Molecular consequence: missense variant.
Genome position (GRCh38, 1-based): chr6:7,582,919, A>G. VCF-style: chr6-7582919-A-G. GRCh37 (hg19) VCF-style: chr6-7583152-A-G.
Other names: c.3860A>G, p.Glu1287Gly (NM_001008844.3); c.4328A>G, p.Glu1443Gly (NM_001319034.2); short protein forms E1886G, E1287G, E1443G.
Identifiers: ClinVar variation 925535 (VCV000925535.8), dbSNP rs1759489572, ClinGen allele CA362689116.